The following is an entry in ClinVar:

ClinVar aggregate classification (germline): Uncertain significance (1 of 4 stars; one submission).

Conditions:
Hereditary spastic paraplegia 75. Also called: Spastic paraplegia 75, autosomal recessive. Identifiers: Orphanet 459056, MedGen C4225250, MONDO:0014729, OMIM 616680.

Allele frequency attached by ClinVar (database versions not stated): ExAC 0.00001; gnomAD 0.00001; gnomAD exomes 0.00001.
gnomAD v4.1: 9 of 1,613,998 alleles (0.00056%); highest among the groups gnomAD compares: African/African-American, 0.0027%; no homozygotes.

Submission:

Labcorp Genetics (formerly Invitae), Labcorp
Classification: Uncertain significance for Hereditary spastic paraplegia 75. Last evaluated: 2022-03-05. Review status: criteria provided, single submitter. Criteria: Invitae Variant Classification Sherloc (09022015). Collection method: clinical testing. Allele origin: germline.
Comment: Algorithms developed to predict the effect of missense changes on protein structure and function are either unavailable or do not agree on the potential impact of this missense change (SIFT: "Deleterious"; PolyPhen-2: "Probably Damaging"; Align-GVGD: "Class C0"). This sequence change replaces glycine, which is neutral and non-polar, with arginine, which is basic and polar, at codon 333 of the MAG protein (p.Gly333Arg). This variant is present in population databases (rs199764089, gnomAD 0.01%). This variant has not been reported in the literature in individuals affected with MAG-related conditions. ClinVar contains an entry for this variant (Variation ID: 572360). In summary, the available evidence is currently insufficient to determine the role of this variant in disease. Therefore, it has been classified as a Variant of Uncertain Significance.

NM_002361.4(MAG):c.997G>A (p.Gly333Arg)

Gene: MAG (myelin associated glycoprotein; plus strand). Cytogenetic location: 19q13.12.
Variant type: single nucleotide variant.
Coding change: c.997G>A on transcript NM_002361.4 (MANE Select); coding-DNA position 997, G replaced by A.
Protein change: p.Gly333Arg; replaces glycine 333 with arginine.
Molecular consequence: missense variant.
Genome position (GRCh38, 1-based): chr19:35,302,474, G>A. VCF-style: chr19-35302474-G-A. GRCh37 (hg19) VCF-style: chr19-35793377-G-A.
Other names: c.922G>A, p.Gly308Arg (NM_001199216.2); c.997G>A, p.Gly333Arg (NM_080600.3); short protein forms G333R, G308R.
Identifiers: ClinVar variation 572360 (VCV000572360.7), dbSNP rs199764089, ClinGen allele CA9376155.